The following is an entry in ClinVar:

NM_000350.3(ABCA4):c.614G>T (p.Cys205Phe)

Gene: ABCA4 (ATP binding cassette subfamily A member 4; minus strand). Cytogenetic location: 1p22.1.
Variant type: single nucleotide variant.
Coding change: c.614G>T on transcript NM_000350.3 (MANE Select); coding-DNA position 614, G replaced by T.
Protein change: p.Cys205Phe; replaces cysteine 205 with phenylalanine.
Molecular consequence: missense variant.
Genome position (GRCh38, 1-based): chr1:94,098,948, C>A on the plus strand (G>T on the coding strand, the complement: ABCA4 is on the minus strand). VCF-style: chr1-94098948-C-A. GRCh37 (hg19) VCF-style: chr1-94564504-C-A.
Other names: c.614G>T, p.Cys205Phe (NM_001425324.1); short protein forms C205F.
Identifiers: ClinVar variation 960271 (VCV000960271.9), dbSNP rs1662214905, ClinGen allele CA341289713.

ClinVar aggregate classification (germline): Pathogenic (1 of 4 stars; one submission).

Submission:

Labcorp Genetics (formerly Invitae), Labcorp
Classification: Pathogenic. Last evaluated: 2025-04-28. Review status: criteria provided, single submitter. Criteria: Invitae Variant Classification Sherloc (09022015). Collection method: clinical testing. Allele origin: germline.
Comment: This sequence change replaces cysteine, which is neutral and slightly polar, with phenylalanine, which is neutral and non-polar, at codon 205 of the ABCA4 protein (p.Cys205Phe). This variant is not present in population databases (gnomAD no frequency). This missense change has been observed in individuals with Stargardt disease (PMID: 28559085; internal data). ClinVar contains an entry for this variant (Variation ID: 960271). Invitae Evidence Modeling of protein sequence and biophysical properties (such as structural, functional, and spatial information, amino acid conservation, physicochemical variation, residue mobility, and thermodynamic stability) indicates that this missense variant is expected to disrupt ABCA4 protein function with a positive predictive value of 95%. This variant disrupts the p.Cys205 amino acid residue in ABCA4. Other variant(s) that disrupt this residue have been determined to be pathogenic (PMID: 37217489; internal data). This suggests that this residue is clinically significant, and that variants that disrupt this residue are likely to be disease-causing. For these reasons, this variant has been classified as Pathogenic.

Literature cited by the submitters: PubMed 28559085; PubMed 37217489.